The following is an entry in ClinVar:

ClinVar aggregate classification (germline): Uncertain significance (1 of 4 stars; one submission).

Conditions:
Inborn genetic diseases. Identifiers: MedGen C0950123, MeSH D030342.

Submission:

Ambry Genetics
Classification: Uncertain significance for Inborn genetic diseases. Last evaluated: 2025-06-29. Review status: criteria provided, single submitter. Criteria: Ambry Variant Classification Scheme 2023. Collection method: clinical testing. Allele origin: germline.
Comment: The p.S314C variant (also known as c.941C>G), located in coding exon 1 of the SAMD9L gene, results from a C to G substitution at nucleotide position 941. The serine at codon 314 is replaced by cysteine, an amino acid with dissimilar properties. This amino acid position is conserved. In addition, this alteration is predicted to be tolerated by in silico analysis. Based on the available evidence, the clinical significance of this variant remains unclear.

NM_152703.5(SAMD9L):c.941C>G (p.Ser314Cys)

Gene: SAMD9L (sterile alpha motif domain containing 9 like; minus strand). Cytogenetic location: 7q21.2.
Variant type: single nucleotide variant.
Coding change: c.941C>G on transcript NM_152703.5 (MANE Select); coding-DNA position 941, C replaced by G.
Protein change: p.Ser314Cys; replaces serine 314 with cysteine.
Molecular consequence: missense variant.
Genome position (GRCh38, 1-based): chr7:93,135,031, G>C on the plus strand (C>G on the coding strand, the complement: SAMD9L is on the minus strand). VCF-style: chr7-93135031-G-C. GRCh37 (hg19) VCF-style: chr7-92764344-G-C.
Other names: c.941C>G, p.Ser314Cys (NM_001303496.3, NM_001303497.3, NM_001303498.3 and 5 more transcripts); short protein forms S314C.
Identifiers: ClinVar variation 4159284 (VCV004159284.1).